The following is an entry in ClinVar:

NM_030632.3(ASXL3):c.4239C>T (p.Val1413=)

Gene: ASXL3 (ASXL transcriptional regulator 3; plus strand). Cytogenetic location: 18q12.1.
Variant type: single nucleotide variant.
Coding change: c.4239C>T on transcript NM_030632.3 (MANE Select); coding-DNA position 4239, C replaced by T.
Protein change: p.Val1413=; no amino-acid change (valine 1413 retained).
Molecular consequence: synonymous variant.
Genome position (GRCh38, 1-based): chr18:33,744,087, C>T. VCF-style: chr18-33744087-C-T. GRCh37 (hg19) VCF-style: chr18-31324051-C-T.
Identifiers: ClinVar variation 1183931 (VCV001183931.40), dbSNP rs149577667, ClinGen allele CA8934211.

ClinVar aggregate classification (germline): Benign. Review status: criteria provided, multiple submitters, no conflicts (2 of 4 stars). 5 submissions from 5 submitters: Benign (5). Last evaluated 2026-08-01.

Conditions:
Bainbridge-Ropers syndrome. Also called: Severe feeding difficulties-failure to thrive-microcephaly due to ASXL3 deficiency syndrome. Identifiers: Orphanet 352577, MedGen C4750837, MONDO:0014205, OMIM 615485.

Allele frequency attached by ClinVar (database versions not stated): gnomAD 0.00722 and 0.00698; ESP Exome Variant Server 0.00769; gnomAD exomes 0.00935 and 0.00712; 1000 Genomes Project 0.00399; 1000 Genomes Project 30x 0.00406; ExAC 0.00694.
gnomAD v4.1: 14,812 of 1,614,024 alleles (0.92%); highest among the groups gnomAD compares: Middle Eastern, 1.4%; 90 homozygotes.

Submissions (5):

CeGaT Center for Human Genetics Tuebingen
Classification: Benign. Last evaluated: 2026-08-01. Review status: criteria provided, single submitter. Criteria: CeGaT Center For Human Genetics Tuebingen Variant Classification Criteria Version 2. Collection method: clinical testing. Allele origin: germline. Affected: yes. Observed: 63 variant alleles.
Comment: ASXL3: BP4, BP7, BS1, BS2

Genome-Nilou Lab
Classification: Benign for Bainbridge-Ropers syndrome. Last evaluated: 2021-12-05. Review status: criteria provided, single submitter. Criteria: ACMG Guidelines, 2015. Collection method: clinical testing. Allele origin: germline. Affected: no.

Genetic Services Laboratory, University of Chicago
Classification: Benign. Last evaluated: 2021-03-05. Review status: criteria provided, single submitter. Criteria: ACMG Guidelines, 2015. Collection method: clinical testing. Allele origin: germline. Affected: no.

GeneDx
Classification: Benign. Last evaluated: 2019-11-15. Review status: criteria provided, single submitter. Criteria: GeneDx Variant Classification Process June 2021. Collection method: clinical testing. Allele origin: germline. Affected: yes.

Breakthrough Genomics
Classification: Benign. Review status: criteria provided, single submitter. Criteria: ACMG Guidelines, 2015. Collection method: not provided. Allele origin: germline. Inheritance: Autosomal dominant inheritance. Affected: yes.